The following is an entry in ClinVar:

ClinVar aggregate classification (germline): Uncertain significance (1 of 4 stars; one submission).

Allele frequency attached by ClinVar (database versions not stated): ExAC 0.00001; gnomAD 0.00001; gnomAD exomes 0.00001.
gnomAD v4.1: 11 of 1,601,744 alleles (0.00069%); highest among the groups gnomAD compares: South Asian, 0.0011%; no homozygotes.

Submission:

Labcorp Genetics (formerly Invitae), Labcorp
Classification: Uncertain significance. Last evaluated: 2023-06-28. Review status: criteria provided, single submitter. Criteria: Invitae Variant Classification Sherloc (09022015). Collection method: clinical testing. Allele origin: germline.
Comment: ClinVar contains an entry for this variant (Variation ID: 1424963). Advanced modeling of protein sequence and biophysical properties (such as structural, functional, and spatial information, amino acid conservation, physicochemical variation, residue mobility, and thermodynamic stability) has been performed at Invitae for this missense variant, however the output from this modeling did not meet the statistical confidence thresholds required to predict the impact of this variant on COL11A1 protein function. In summary, the available evidence is currently insufficient to determine the role of this variant in disease. Therefore, it has been classified as a Variant of Uncertain Significance. This variant has not been reported in the literature in individuals affected with COL11A1-related conditions. This sequence change replaces arginine, which is basic and polar, with isoleucine, which is neutral and non-polar, at codon 848 of the COL11A1 protein (p.Arg848Ile). This variant is present in population databases (rs781206372, gnomAD 0.003%).

NM_001854.4(COL11A1):c.2543G>T (p.Arg848Ile)

Gene: COL11A1 (collagen type XI alpha 1 chain; minus strand). Cytogenetic location: 1p21.1.
Variant type: single nucleotide variant.
Coding change: c.2543G>T on transcript NM_001854.4 (MANE Select); coding-DNA position 2543, G replaced by T.
Protein change: p.Arg848Ile; replaces arginine 848 with isoleucine.
Molecular consequence: missense variant. On other transcripts: non-coding transcript variant (1).
Genome position (GRCh38, 1-based): chr1:102,984,151, C>A on the plus strand (G>T on the coding strand, the complement: COL11A1 is on the minus strand). VCF-style: chr1-102984151-C-A. GRCh37 (hg19) VCF-style: chr1-103449707-C-A.
Other names: c.2426G>T, p.Arg809Ile (NM_001190709.2); c.2579G>T, p.Arg860Ile (NM_080629.3); c.2195G>T, p.Arg732Ile (NM_080630.4); short protein forms R732I, R848I, R860I, R809I.
Identifiers: ClinVar variation 1424963 (VCV001424963.8), dbSNP rs781206372, ClinGen allele CA974407.